The following is an entry in ClinVar:

NM_000535.7(PMS2):c.1814T>A (p.Val605Asp)

Gene: PMS2 (PMS1 homolog 2, mismatch repair system component; minus strand). Cytogenetic location: 7p22.1.
Variant type: single nucleotide variant.
Coding change: c.1814T>A on transcript NM_000535.7 (MANE Select); coding-DNA position 1814, T replaced by A.
Protein change: p.Val605Asp; replaces valine 605 with aspartic acid.
Molecular consequence: missense variant. On other transcripts: non-coding transcript variant (1).
Genome position (GRCh38, 1-based): chr7:5,986,951, A>T on the plus strand (T>A on the coding strand, the complement: PMS2 is on the minus strand). VCF-style: chr7-5986951-A-T. GRCh37 (hg19) VCF-style: chr7-6026582-A-T.
Other names: c.1409T>A, p.Val470Asp (NM_001018040.1, NM_001322003.2, NM_001322004.2 and 17 more transcripts); c.1658T>A, p.Val553Asp (NM_001322006.2, NM_001406870.1); c.1496T>A, p.Val499Asp (NM_001322007.2, NM_001322008.2, NM_001406876.1 and 2 more transcripts); c.1253T>A, p.Val418Asp (NM_001322010.2, NM_001406906.1, NM_001406907.1); c.881T>A, p.Val294Asp (NM_001322011.2, NM_001322012.2); c.1241T>A, p.Val414Asp (NM_001322013.2, NM_001406909.1); c.1814T>A, p.Val605Asp (NM_001322014.2, NM_001406871.1, NM_001406872.1); c.1505T>A, p.Val502Asp (NM_001322015.2, NM_001406875.1, NM_001406877.1 and 5 more transcripts); and 12 more; short protein forms V294D, V418D, V434D, V569D, V450D, V493D, V499D, V667D.
Identifiers: ClinVar variation 1780645 (VCV001780645.2), dbSNP rs1782971083, ClinGen allele CA366739724.

ClinVar aggregate classification (germline): Uncertain significance (1 of 4 stars; one submission).

Conditions:
Hereditary cancer-predisposing syndrome. Also called: Neoplastic Syndromes, Hereditary; Tumor predisposition; Hereditary Cancer Syndrome; Hereditary neoplastic syndrome. Identifiers: Orphanet 140162, MedGen C0027672, MeSH D009386, MONDO:0015356.

Submission:

Ambry Genetics
Classification: Uncertain significance for Hereditary cancer-predisposing syndrome. Last evaluated: 2020-12-18. Review status: criteria provided, single submitter. Criteria: Ambry Variant Classification Scheme 2023. Collection method: clinical testing. Allele origin: germline.
Comment: The p.V605D variant (also known as c.1814T>A), located in coding exon 11 of the PMS2 gene, results from a T to A substitution at nucleotide position 1814. The valine at codon 605 is replaced by aspartic acid, an amino acid with highly dissimilar properties. This amino acid position is well conserved in available vertebrate species. In addition, this alteration is predicted to be tolerated by in silico analysis. Since supporting evidence is limited at this time, the clinical significance of this alteration remains unclear.